The following is an entry in ClinVar:

NM_001163809.2(WDR81):c.3400A>C (p.Lys1134Gln)

Gene: WDR81 (WD repeat domain 81; plus strand). Cytogenetic location: 17p13.3.
Variant type: single nucleotide variant.
Coding change: c.3400A>C on transcript NM_001163809.2 (MANE Select); coding-DNA position 3400, A replaced by C.
Protein change: p.Lys1134Gln; replaces lysine 1134 with glutamine.
Molecular consequence: missense variant. On other transcripts: intron variant (2).
Genome position (GRCh38, 1-based): chr17:1,728,359, A>C. VCF-style: chr17-1728359-A-C. GRCh37 (hg19) VCF-style: chr17-1631653-A-C.
Other names: c.247A>C, p.Lys83Gln (NM_152348.4); c.59-2021A>C (NM_001163673.2); c.-14-2021A>C (NM_001163811.2); short protein forms K1134Q, K83Q.
Identifiers: ClinVar variation 3345210 (VCV003345210.1).
Genomic context (GRCh38, chr17:1,728,359, plus strand): 5'-ACCAGCGAGACCTCCCTGGGTGAGGAGCGGGCTCCAGACGAGGGGGGTGCCCCCGTGGAC[A>C]AGAGCAGCCTTCGATCAGGTGACAGCAGCCAGGACTTGAAGCAAAGCGAGGGCTCCGAGG-3'
Protein context (NP_001157281.1, residues 1124-1144): APDEGGAPVD[Lys1134Gln]SSLRSGDSSQ

ClinVar aggregate classification (germline): Uncertain significance (0 of 4 stars; one submission).

Conditions:
WDR81-related disorder. Also called: WDR81-related condition.

Submission:

PreventionGenetics, part of Exact Sciences
Classification: Uncertain significance for WDR81-related condition. Last evaluated: 2024-07-19. Review status: no assertion criteria provided. Collection method: clinical testing. Allele origin: germline.
Comment: The WDR81 c.3400A>C variant is predicted to result in the amino acid substitution p.Lys1134Gln. To our knowledge, this variant has not been reported in the literature. This variant is reported in 0.0029% of alleles in individuals of Latino descent in gnomAD. At this time, the clinical significance of this variant is uncertain due to the absence of conclusive functional and genetic evidence.